The following is an entry in ClinVar:

ClinVar aggregate classification (germline): Conflicting classifications of pathogenicity. Review status: criteria provided, conflicting classifications (1 of 4 stars). 4 submissions from 4 submitters: Uncertain significance (2); Likely benign (2). Last evaluated 2025-09-28.

Conditions:
Primary familial hypertrophic cardiomyopathy (HCM). Identifiers: Orphanet 99739, MedGen C0949658, MeSH D024741, MONDO:0024573. Inheritance: Various modes of inheritance.
Dilated cardiomyopathy 1AA (CMD1AA). Also called: Cardiomyopathy, dilated, 1AA, with or without LVNC; CARDIOMYOPATHY, DILATED, 1AA, WITH OR WITHOUT LEFT VENTRICULAR NONCOMPACTION; CARDIOMYOPATHY, FAMILIAL HYPERTROPHIC, 23, WITH OR WITHOUT LEFT VENTRICULAR NONCOMPACTION. Identifiers: Orphanet 154, MedGen C2677338, MONDO:0012808, OMIM 612158.
Cardiovascular phenotype. Identifiers: MedGen CN230736.

Allele frequency attached by ClinVar (database versions not stated): ExAC 0.00001; gnomAD 0.00001; TOPMed 0.00001; gnomAD exomes 0.00003.
gnomAD v4.1: 19 of 1,614,074 alleles (0.0012%); highest among the groups gnomAD compares: Admixed American, 0.013%; 1 homozygote.

Submissions (4):

Labcorp Genetics (formerly Invitae), Labcorp
Classification: Likely benign for Primary familial hypertrophic cardiomyopathy; Dilated cardiomyopathy 1AA. Last evaluated: 2025-09-28. Review status: criteria provided, single submitter. Criteria: Invitae Variant Classification Sherloc (09022015). Collection method: clinical testing. Allele origin: germline.

Women's Health and Genetics/Laboratory Corporation of America, LabCorp
Classification: Likely benign. Last evaluated: 2025-01-06. Review status: criteria provided, single submitter. Criteria: LabCorp Variant Classification Summary - May 2015. Collection method: clinical testing. Allele origin: germline.
Comment: Variant summary: ACTN2 c.1333G>A (p.Glu445Lys) results in a conservative amino acid change located in the SPEC ( IPR018159) of the encoded protein sequence. Three of five in-silico tools predict a damaging effect of the variant on protein function. The variant allele was found at a frequency of 1.2e-05 in 1614074 control chromosomes in the gnomAD database, including 1 homozygotes. To our knowledge, no occurrence of c.1333G>A in individuals affected with Cardiomyopathy and no experimental evidence demonstrating its impact on protein function have been reported. ClinVar contains an entry for this variant (Variation ID: 264337). Based on the evidence outlined above, the variant was classified as likely benign.

GeneDx
Classification: Uncertain significance. Last evaluated: 2024-08-20. Review status: criteria provided, single submitter. Criteria: GeneDx Variant Classification Process June 2021. Collection method: clinical testing. Allele origin: germline. Affected: yes.
Comment: Identified de novo in a cohort of patients with developmental disorders (PMID: 33057194); In silico analysis supports that this missense variant has a deleterious effect on protein structure/function; This variant is associated with the following publications: (PMID: 35982159, 33057194)

Ambry Genetics
Classification: Uncertain significance for Cardiovascular phenotype. Last evaluated: 2018-02-02. Review status: criteria provided, single submitter. Criteria: Ambry Variant Classification Scheme 2023. Collection method: clinical testing. Allele origin: germline.
Comment: The p.E445K variant (also known as c.1333G>A), located in coding exon 12 of the ACTN2 gene, results from a G to A substitution at nucleotide position 1333. The glutamic acid at codon 445 is replaced by lysine, an amino acid with similar properties. This amino acid position is highly conserved in available vertebrate species. In addition, the in silico prediction for this alteration is inconclusive. Since supporting evidence is limited at this time, the clinical significance of this alteration remains unclear.

NM_001103.4(ACTN2):c.1333G>A (p.Glu445Lys)

Gene: ACTN2 (actinin alpha 2; plus strand). Cytogenetic location: 1q43.
Variant type: single nucleotide variant.
Coding change: c.1333G>A on transcript NM_001103.4 (MANE Select); coding-DNA position 1333, G replaced by A.
Protein change: p.Glu445Lys; replaces glutamic acid 445 with lysine.
Molecular consequence: missense variant.
Genome position (GRCh38, 1-based): chr1:236,744,703, G>A. VCF-style: chr1-236744703-G-A. GRCh37 (hg19) VCF-style: chr1-236908003-G-A.
Other names: c.1333G>A, p.Glu445Lys (NM_001278343.2); c.709G>A, p.Glu237Lys (NM_001278344.2); short protein forms E445K, E237K.
Identifiers: ClinVar variation 264337 (VCV000264337.15), dbSNP rs773942709, ClinGen allele CA1473123.